The following is an entry in ClinVar:

NM_015512.5(DNAH1):c.3305G>A (p.Arg1102His)

Gene: DNAH1 (dynein axonemal heavy chain 1; plus strand). Cytogenetic location: 3p21.1.
Variant type: single nucleotide variant.
Coding change: c.3305G>A on transcript NM_015512.5 (MANE Select); coding-DNA position 3305, G replaced by A.
Protein change: p.Arg1102His; replaces arginine 1102 with histidine.
Molecular consequence: missense variant.
Genome position (GRCh38, 1-based): chr3:52,353,458, G>A. VCF-style: chr3-52353458-G-A. GRCh37 (hg19) VCF-style: chr3-52387474-G-A.
Other names: short protein forms R1102H.
Identifiers: ClinVar variation 947198 (VCV000947198.7), dbSNP rs746027255, ClinGen allele CA2433546.

ClinVar aggregate classification (germline): Uncertain significance (1 of 4 stars; one submission).

Conditions:
Spermatogenic failure 18. Identifiers: MedGen C4539783, MONDO:0054615, OMIM 617576.
Ciliary dyskinesia, primary, 37 (CILD37). Also called: CILIARY DYSKINESIA, PRIMARY, 37, WITH OR WITHOUT SITUS INVERSUS. Identifiers: MedGen C4539798, MONDO:0033204, OMIM 617577.

Allele frequency attached by ClinVar (database versions not stated): TOPMed below 0.00001; ExAC 0.00001; gnomAD 0.00001; gnomAD exomes 0.00001.
gnomAD v4.1: 10 of 1,613,760 alleles (0.00062%); highest among the groups gnomAD compares: East Asian, 0.0022%; no homozygotes.

Submission:

Labcorp Genetics (formerly Invitae), Labcorp
Classification: Uncertain significance for Ciliary dyskinesia, primary, 37; Spermatogenic failure 18. Last evaluated: 2019-05-12. Review status: criteria provided, single submitter. Criteria: Invitae Variant Classification Sherloc (09022015). Collection method: clinical testing. Allele origin: germline.
Comment: This variant is present in population databases (rs746027255, ExAC 0.002%). This variant has not been reported in the literature in individuals with DNAH1-related disease. Algorithms developed to predict the effect of missense changes on protein structure and function do not agree on the potential impact of this missense change (SIFT: "Deleterious"; PolyPhen-2: "Possibly Damaging"; Align-GVGD: "Class C0"). In summary, the available evidence is currently insufficient to determine the role of this variant in disease. Therefore, it has been classified as a Variant of Uncertain Significance. This sequence change replaces arginine with histidine at codon 1102 of the DNAH1 protein (p.Arg1102His). The arginine residue is highly conserved and there is a small physicochemical difference between arginine and histidine.